The following is an entry in ClinVar:

ClinVar aggregate classification (germline): Uncertain significance (1 of 4 stars; one submission).

Conditions:
Neuropathy, hereditary sensory and autonomic, type 2A (HSAN2A). Also called: HSAN IIA; WNK1-Related HSAN2 (HSAN2A); ACROOSTEOLYSIS, GIACCAI TYPE; ACROOSTEOLYSIS, NEUROGENIC; MORVAN DISEASE; NEUROPATHY, CONGENITAL SENSORY. Identifiers: Orphanet 970, MedGen C2752089, MONDO:0024309, OMIM 201300.
Pseudohypoaldosteronism type 2C (PHA2C). Also called: Pseudohypoaldosteronism Type IIC. Identifiers: Orphanet 757, Orphanet 88940, MedGen C1840391, MONDO:0013778, OMIM 614492.

Allele frequency attached by ClinVar (database versions not stated): gnomAD 0.00003; TOPMed 0.00004.
gnomAD v4.1: 6 of 1,614,076 alleles (0.00037%); highest among the groups gnomAD compares: African/African-American, 0.008%; no homozygotes.

Submission:

Labcorp Genetics (formerly Invitae), Labcorp
Classification: Uncertain significance for Neuropathy, hereditary sensory and autonomic, type 2A; Pseudohypoaldosteronism type 2C. Last evaluated: 2025-03-23. Review status: criteria provided, single submitter. Criteria: Invitae Variant Classification Sherloc (09022015). Collection method: clinical testing. Allele origin: germline.
Comment: This sequence change replaces threonine, which is neutral and polar, with lysine, which is basic and polar, at codon 1611 of the WNK1 protein (p.Thr1611Lys). This variant is present in population databases (no rsID available, gnomAD 0.02%). This variant has not been reported in the literature in individuals affected with WNK1-related conditions. ClinVar contains an entry for this variant (Variation ID: 1978849). Invitae Evidence Modeling of protein sequence and biophysical properties (such as structural, functional, and spatial information, amino acid conservation, physicochemical variation, residue mobility, and thermodynamic stability) indicates that this missense variant is not expected to disrupt WNK1 protein function with a negative predictive value of 95%. In summary, the available evidence is currently insufficient to determine the role of this variant in disease. Therefore, it has been classified as a Variant of Uncertain Significance.

NM_018979.4(WNK1):c.4076C>A (p.Thr1359Lys)

Gene: WNK1 (WNK lysine deficient protein kinase 1; plus strand). Cytogenetic location: 12p13.33.
Variant type: single nucleotide variant.
Coding change: c.4076C>A on transcript NM_018979.4 (MANE Select); coding-DNA position 4076, C replaced by A.
Protein change: p.Thr1359Lys; replaces threonine 1359 with lysine.
Molecular consequence: missense variant.
Genome position (GRCh38, 1-based): chr12:884,880, C>A. VCF-style: chr12-884880-C-A. GRCh37 (hg19) VCF-style: chr12-994046-C-A.
Other names: c.4856C>A, p.Thr1619Lys (NM_001184985.2); c.3335C>A, p.Thr1112Lys (NM_014823.3); c.4832C>A, p.Thr1611Lys (NM_213655.5); short protein forms T1112K, T1359K, T1619K, T1611K.
Identifiers: ClinVar variation 1978849 (VCV001978849.4), dbSNP rs1013848951, ClinGen allele CA231479027.